The following is an entry in ClinVar:

NM_031885.5(BBS2):c.1798-2A>G

Gene: BBS2 (Bardet-Biedl syndrome 2; minus strand). Cytogenetic location: 16q13.
Variant type: single nucleotide variant.
Coding change: c.1798-2A>G on transcript NM_031885.5 (MANE Select); the canonical splice acceptor site of the intron before coding-DNA position 1798, A replaced by G.
Molecular consequence: splice acceptor variant.
Genome position (GRCh38, 1-based): chr16:56,497,081, T>C on the plus strand (A>G on the coding strand, the complement: BBS2 is on the minus strand). VCF-style: chr16-56497081-T-C. GRCh37 (hg19) VCF-style: chr16-56530993-T-C.
Other names: c.1798-2A>G (NM_001377456.1).
Identifiers: ClinVar variation 1480601 (VCV001480601.8), dbSNP rs2144130282, ClinGen allele CA395975698.

ClinVar aggregate classification (germline): Likely pathogenic (1 of 4 stars; one submission).

Conditions:
Bardet-Biedl syndrome (BBS). Identifiers: Orphanet 110, MedGen C0752166, MONDO:0015229.

Submission:

Labcorp Genetics (formerly Invitae), Labcorp
Classification: Likely pathogenic for Bardet-Biedl syndrome. Last evaluated: 2023-07-19. Review status: criteria provided, single submitter. Criteria: Invitae Variant Classification Sherloc (09022015). Collection method: clinical testing. Allele origin: germline.
Comment: This variant is not present in population databases (gnomAD no frequency). In summary, the currently available evidence indicates that the variant is pathogenic, but additional data are needed to prove that conclusively. Therefore, this variant has been classified as Likely Pathogenic. Algorithms developed to predict the effect of sequence changes on RNA splicing suggest that this variant may disrupt the consensus splice site. ClinVar contains an entry for this variant (Variation ID: 1480601). This variant has not been reported in the literature in individuals affected with BBS2-related conditions. This sequence change affects an acceptor splice site in intron 14 of the BBS2 gene. It is expected to disrupt RNA splicing. Variants that disrupt the donor or acceptor splice site typically lead to a loss of protein function (PMID: 16199547), and loss-of-function variants in BBS2 are known to be pathogenic (PMID: 11285252, 20177705, 24608809, 26518167).

Literature cited by the submitters: PubMed 16199547; PubMed 11285252; PubMed 20177705; PubMed 24608809; PubMed 26518167.